The following is an entry in ClinVar:

ClinVar aggregate classification (germline): Likely benign (1 of 4 stars; one submission).

Conditions:
Pulmonary hypertension, primary, 1 (PPH1). Also called: Pulmonary hypertension, familial primary, 1, with or without HHT. Identifiers: Orphanet 422, MedGen C4552070, MONDO:0024533, OMIM 178600.

Allele frequency attached by ClinVar (database versions not stated): 1000 Genomes Project 30x 0.00016; gnomAD 0.00003 and 0.00002; TOPMed 0.00003; gnomAD exomes 0.00002; 1000 Genomes Project 0.00020.
gnomAD v4.1: 14 of 586,398 alleles (0.0024%); highest among the groups gnomAD compares: East Asian, 0.034%; no homozygotes.

Submission:

Illumina Laboratory Services, Illumina
Classification: Likely benign for Pulmonary hypertension, primary, 1. Last evaluated: 2017-04-28. Review status: criteria provided, single submitter. Criteria: ICSL Variant Classification Criteria 13 December 2019. Collection method: clinical testing. Allele origin: germline.
Comment: This variant was observed as part of a predisposition screen in an ostensibly healthy population. A literature search was performed for the gene, cDNA change, and amino acid change (where applicable). Publications were found based on this search. The evidence from the literature, in combination with allele frequency data from public databases where available, was sufficient to determine this variant is unlikely to cause disease. Therefore, this variant is classified as likely benign.

Literature cited by the submitters: PubMed 21737554.

NM_001204.7(BMPR2):c.-310A>G

Gene: BMPR2 (bone morphogenetic protein receptor type 2; plus strand). Cytogenetic location: 2q33.1.
Variant type: single nucleotide variant.
Coding change: c.-310A>G on transcript NM_001204.7 (MANE Select); 310 bases upstream of the start codon, A replaced by G.
Molecular consequence: 5 prime UTR variant.
Genome position (GRCh38, 1-based): chr2:202,377,165, A>G. VCF-style: chr2-202377165-A-G. GRCh37 (hg19) VCF-style: chr2-203241888-A-G.
Other names: c.-310A>G (LRG_712t1).
Identifiers: ClinVar variation 333633 (VCV000333633.5), dbSNP rs562548424, ClinGen allele CA10613571.